The following is an entry in ClinVar:

NM_000188.3(HK1):c.691+1G>A

Gene: HK1 (hexokinase 1; plus strand). Cytogenetic location: 10q22.1.
Variant type: single nucleotide variant.
Coding change: c.691+1G>A on transcript NM_000188.3 (MANE Select); the canonical splice donor site of the intron after coding-DNA position 691, G replaced by A.
Molecular consequence: splice donor variant.
Genome position (GRCh38, 1-based): chr10:69,369,337, G>A. VCF-style: chr10-69369337-G-A. GRCh37 (hg19) VCF-style: chr10-71129093-G-A.
Other names: c.655+1G>A (NM_033500.2); c.796+1G>A (NM_001322365.2); c.703+1G>A (NM_033498.3, NM_033497.3, NM_001322364.2 and 1 more transcripts); c.688+1G>A (NM_033496.3); c.607+1G>A (NM_001322366.1); c.595+1G>A (NM_001322367.1).
Identifiers: ClinVar variation 2105231 (VCV002105231.4), dbSNP rs2540369572, ClinGen allele CA376914068.

ClinVar aggregate classification (germline): Likely pathogenic (1 of 4 stars; one submission).

Submission:

Labcorp Genetics (formerly Invitae), Labcorp
Classification: Likely pathogenic. Last evaluated: 2022-03-01. Review status: criteria provided, single submitter. Criteria: Invitae Variant Classification Sherloc (09022015). Collection method: clinical testing. Allele origin: germline.
Comment: In summary, the currently available evidence indicates that the variant is pathogenic, but additional data are needed to prove that conclusively. Therefore, this variant has been classified as Likely Pathogenic. Algorithms developed to predict the effect of sequence changes on RNA splicing suggest that this variant may disrupt the consensus splice site. This variant has not been reported in the literature in individuals affected with HK1-related conditions. This variant is not present in population databases (gnomAD no frequency). This sequence change affects a donor splice site in intron 6 of the HK1 gene. It is expected to disrupt RNA splicing. Variants that disrupt the donor or acceptor splice site typically lead to a loss of protein function (PMID: 16199547), and loss-of-function variants in HK1 are known to be pathogenic (PMID: 11783948, 12211198, 31119733).

Literature cited by the submitters: PubMed 16199547; PubMed 11783948; PubMed 12211198; PubMed 31119733.